The following is an entry in ClinVar:

ClinVar aggregate classification (germline): Pathogenic (1 of 4 stars; one submission).

Conditions:
Pheochromocytoma/paraganglioma syndrome 5. Also called: Paragangliomas 5; SDHA-Related Hereditary Paraganglioma-Pheochromocytoma Syndrome. Identifiers: Orphanet 29072, MedGen C3279992, MONDO:0013602, OMIM 614165.
Mitochondrial complex II deficiency, nuclear type 1. Also called: SUCCINATE CoQ REDUCTASE DEFICIENCY. Identifiers: Orphanet 3208, MedGen C5700310, MONDO:0100294, OMIM 252011.

Submission:

Labcorp Genetics (formerly Invitae), Labcorp
Classification: Pathogenic for Pheochromocytoma/paraganglioma syndrome 5; Mitochondrial complex II deficiency, nuclear type 1. Last evaluated: 2022-04-03. Review status: criteria provided, single submitter. Criteria: Invitae Variant Classification Sherloc (09022015). Collection method: clinical testing. Allele origin: germline.
Comment: This sequence change creates a premature translational stop signal (p.Cys536*) in the SDHA gene. It is expected to result in an absent or disrupted protein product. Loss-of-function variants in SDHA are known to be pathogenic (PMID: 22974104, 24781757). This variant is not present in population databases (gnomAD no frequency). This variant has not been reported in the literature in individuals affected with SDHA-related conditions. For these reasons, this variant has been classified as Pathogenic.

Literature cited by the submitters: PubMed 22974104; PubMed 24781757.

NM_004168.4(SDHA):c.1608T>A (p.Cys536Ter)

Gene: SDHA (succinate dehydrogenase complex flavoprotein subunit A; plus strand). Cytogenetic location: 5p15.33.
Variant type: single nucleotide variant.
Coding change: c.1608T>A on transcript NM_004168.4 (MANE Select); coding-DNA position 1608, T replaced by A.
Protein change: p.Cys536Ter; replaces cysteine 536 with a stop codon.
Molecular consequence: nonsense. On other transcripts: intron variant (1).
Genome position (GRCh38, 1-based): chr5:251,048, T>A. VCF-style: chr5-251048-T-A. GRCh37 (hg19) VCF-style: chr5-251163-T-A.
Other names: c.1464T>A, p.Cys488Ter (NM_001294332.2); c.1552-3345T>A (NM_001330758.2); short protein forms C536*, C488*.
Identifiers: ClinVar variation 2086658 (VCV002086658.4), dbSNP rs2477454907, ClinGen allele CA358998555.